The following is an entry in ClinVar:

ClinVar aggregate classification (germline): Benign (1 of 4 stars; one submission).

Conditions:
Frank-Ter Haar syndrome. Also called: BORRONE DERMATOCARDIOSKELETAL SYNDROME; TER HAAR SYNDROME; MELNICK-NEEDLES SYNDROME, AUTOSOMAL RECESSIVE; Borrone di Rocco Crovato syndrome. Identifiers: Orphanet 1266, Orphanet 137834, MedGen C1855305, MONDO:0009579, OMIM 249420.

Allele frequency attached by ClinVar (database versions not stated): gnomAD exomes 0.00676; gnomAD 0.03614 and 0.03777; TOPMed 0.04049; 1000 Genomes Project 0.04473; 1000 Genomes Project 30x 0.04747.
gnomAD v4.1: 11,252 of 985,630 alleles (1.1%); highest among the groups gnomAD compares: African/African-American, 11%; 396 homozygotes.

Submission:

Illumina Laboratory Services, Illumina
Classification: Benign for Frank-Ter Haar syndrome. Last evaluated: 2018-01-12. Review status: criteria provided, single submitter. Criteria: ICSL Variant Classification Criteria 13 December 2019. Collection method: clinical testing. Allele origin: germline.
Comment: This variant was observed in the ICSL laboratory as part of a predisposition screen in an ostensibly healthy population. It had not been previously curated by ICSL or reported in the Human Gene Mutation Database (HGMD: prior to June 1st, 2018), and was therefore a candidate for classification through an automated scoring system. Utilizing variant allele frequency, disease prevalence and penetrance estimates, and inheritance mode, an automated score was calculated to assess if this variant is too frequent to cause the disease. Based on the score and internal cut-off values, a variant classified as benign is not then subjected to further curation. The score for this variant resulted in a classification of benign for this disease.

NM_001017995.3(SH3PXD2B):c.*2032G>A

Gene: SH3PXD2B (SH3 and PX domains 2B; minus strand). Cytogenetic location: 5q35.1.
Variant type: single nucleotide variant.
Coding change: c.*2032G>A on transcript NM_001017995.3 (MANE Select); 2032 bases downstream of the stop codon, G replaced by A.
Molecular consequence: 3 prime UTR variant. On other transcripts: intron variant (1).
Genome position (GRCh38, 1-based): chr5:172,336,337, C>T on the plus strand (G>A on the coding strand, the complement: SH3PXD2B is on the minus strand). VCF-style: chr5-172336337-C-T. GRCh37 (hg19) VCF-style: chr5-171763341-C-T.
Other names: c.1188+9799G>A (NM_001308175.2).
Identifiers: ClinVar variation 352765 (VCV000352765.5), dbSNP rs11953725, ClinGen allele CA10624153.